The following is an entry in ClinVar:

NM_001035.3(RYR2):c.8938T>A (p.Leu2980Ile)

Gene: RYR2 (ryanodine receptor 2; plus strand). Cytogenetic location: 1q43.
Variant type: single nucleotide variant.
Coding change: c.8938T>A on transcript NM_001035.3 (MANE Select); coding-DNA position 8938, T replaced by A.
Protein change: p.Leu2980Ile; replaces leucine 2980 with isoleucine.
Molecular consequence: missense variant.
Genome position (GRCh38, 1-based): chr1:237,680,498, T>A. VCF-style: chr1-237680498-T-A. GRCh37 (hg19) VCF-style: chr1-237843798-T-A.
Other names: short protein forms L2980I.
Identifiers: ClinVar variation 4699305 (VCV004699305.1).

ClinVar aggregate classification (germline): Uncertain significance (1 of 4 stars; one submission).

Conditions:
Catecholaminergic polymorphic ventricular tachycardia 1. Also called: RYR2-Related Catecholaminergic Polymorphic Ventricular Tachycardia; VENTRICULAR TACHYCARDIA, STRESS-INDUCED POLYMORPHIC 1; VENTRICULAR TACHYCARDIA, CATECHOLAMINERGIC POLYMORPHIC, 1, WITH OR WITHOUT ATRIAL DYSFUNCTION AND/OR DILATED CARDIOMYOPATHY. Identifiers: Orphanet 3286, MedGen C1631597, MONDO:0011484, OMIM 604772.

Submission:

Labcorp Genetics (formerly Invitae), Labcorp
Classification: Uncertain significance for Catecholaminergic polymorphic ventricular tachycardia 1. Last evaluated: 2025-04-09. Review status: criteria provided, single submitter. Criteria: Invitae Variant Classification Sherloc (09022015). Collection method: clinical testing. Allele origin: germline.
Comment: This sequence change replaces leucine, which is neutral and non-polar, with isoleucine, which is neutral and non-polar, at codon 2980 of the RYR2 protein (p.Leu2980Ile). This variant is not present in population databases (gnomAD no frequency). This variant has not been reported in the literature in individuals affected with RYR2-related conditions. Invitae Evidence Modeling of protein sequence and biophysical properties (such as structural, functional, and spatial information, amino acid conservation, physicochemical variation, residue mobility, and thermodynamic stability) indicates that this missense variant is not expected to disrupt RYR2 protein function with a negative predictive value of 95%. In summary, the available evidence is currently insufficient to determine the role of this variant in disease. Therefore, it has been classified as a Variant of Uncertain Significance.